The following is an entry in ClinVar:

ClinVar aggregate classification (germline): Uncertain significance (1 of 4 stars; one submission).

Allele frequency attached by ClinVar (database versions not stated): gnomAD exomes below 0.00001; TOPMed below 0.00001; ExAC 0.00001; gnomAD 0.00001.
gnomAD v4.1: 2 of 1,614,048 alleles (0.00012%); highest among the groups gnomAD compares: Non-Finnish European, 0.00017%; no homozygotes.

Submission:

Labcorp Genetics (formerly Invitae), Labcorp
Classification: Uncertain significance. Last evaluated: 2022-08-27. Review status: criteria provided, single submitter. Criteria: Invitae Variant Classification Sherloc (09022015). Collection method: clinical testing. Allele origin: germline.
Comment: This sequence change replaces alanine, which is neutral and non-polar, with threonine, which is neutral and polar, at codon 593 of the DSG1 protein (p.Ala593Thr). This variant is present in population databases (rs770039303, gnomAD 0.0009%). This variant has not been reported in the literature in individuals affected with DSG1-related conditions. In summary, the available evidence is currently insufficient to determine the role of this variant in disease. Therefore, it has been classified as a Variant of Uncertain Significance. Algorithms developed to predict the effect of missense changes on protein structure and function are either unavailable or do not agree on the potential impact of this missense change (SIFT: "Deleterious"; PolyPhen-2: "Possibly Damaging"; Align-GVGD: "Class C0").

NM_001942.4(DSG1):c.1777G>A (p.Ala593Thr)

Genes: DSG1 (desmoglein 1; plus strand), DSG1-AS1 (DSG1 antisense RNA 1; minus strand). Cytogenetic location: 18q12.1.
Variant type: single nucleotide variant.
Coding change: c.1777G>A on transcript NM_001942.4 (MANE Select); coding-DNA position 1777, G replaced by A.
Protein change: p.Ala593Thr; replaces alanine 593 with threonine.
Molecular consequence: missense variant. On other transcripts: non-coding transcript variant (2).
Genome position (GRCh38, 1-based): chr18:31,343,539, G>A. VCF-style: chr18-31343539-G-A. GRCh37 (hg19) VCF-style: chr18-28923502-G-A.
Other names: short protein forms A593T.
Identifiers: ClinVar variation 2179982 (VCV002179982.4), dbSNP rs770039303, ClinGen allele CA8926169.